The following is an entry in ClinVar:

NM_138927.4(SON):c.405A>C (p.Glu135Asp)

Gene: SON (SON DNA and RNA binding protein; plus strand). Cytogenetic location: 21q22.11.
Variant type: single nucleotide variant.
Coding change: c.405A>C on transcript NM_138927.4 (MANE Select); coding-DNA position 405, A replaced by C.
Protein change: p.Glu135Asp; replaces glutamic acid 135 with aspartic acid.
Molecular consequence: missense variant. On other transcripts: non-coding transcript variant (1), intron variant (1).
Genome position (GRCh38, 1-based): chr21:33,549,636, A>C. VCF-style: chr21-33549636-A-C. GRCh37 (hg19) VCF-style: chr21-34921942-A-C.
Other names: c.405A>C, p.Glu135Asp (NM_001291411.2, NM_001412133.1, NM_032195.3 and 2 more transcripts); c.244+3257A>C (NM_001291412.3); short protein forms E135D.
Identifiers: ClinVar variation 2875525 (VCV002875525.3), dbSNP rs568339583, ClinGen allele CA410150914.

ClinVar aggregate classification (germline): Uncertain significance (1 of 4 stars; one submission).

gnomAD v4.1: 2 of 1,608,516 alleles (0.00012%); highest among the groups gnomAD compares: Admixed American, 0.0034%; no homozygotes.

Submission:

Labcorp Genetics (formerly Invitae), Labcorp
Classification: Uncertain significance. Last evaluated: 2023-11-18. Review status: criteria provided, single submitter. Criteria: Invitae Variant Classification Sherloc (09022015). Collection method: clinical testing. Allele origin: germline.
Comment: This sequence change replaces glutamic acid, which is acidic and polar, with aspartic acid, which is acidic and polar, at codon 135 of the SON protein (p.Glu135Asp). This variant is present in population databases (no rsID available, gnomAD 0.006%). This variant has not been reported in the literature in individuals affected with SON-related conditions. Algorithms developed to predict the effect of missense changes on protein structure and function output the following: SIFT: "Not Available"; PolyPhen-2: "Benign"; Align-GVGD: "Not Available". The aspartic acid amino acid residue is found in multiple mammalian species, which suggests that this missense change does not adversely affect protein function. In summary, the available evidence is currently insufficient to determine the role of this variant in disease. Therefore, it has been classified as a Variant of Uncertain Significance.